The following is an entry in ClinVar:

ClinVar aggregate classification (germline): Uncertain significance (1 of 4 stars; one submission).

Conditions:
Hypertrophic cardiomyopathy 14. Identifiers: MedGen C2750467, MONDO:0013197, OMIM 613251.

gnomAD v4.1: 8 of 1,614,184 alleles (0.0005%); highest among the groups gnomAD compares: Non-Finnish European, 0.00068%; no homozygotes.

Submission:

Labcorp Genetics (formerly Invitae), Labcorp
Classification: Uncertain significance for Hypertrophic cardiomyopathy 14. Last evaluated: 2025-06-29. Review status: criteria provided, single submitter. Criteria: Invitae Variant Classification Sherloc (09022015). Collection method: clinical testing. Allele origin: germline.
Comment: This sequence change replaces leucine, which is neutral and non-polar, with methionine, which is neutral and non-polar, at codon 1599 of the MYH6 protein (p.Leu1599Met). This variant is present in population databases (no rsID available, gnomAD 0.0009%). This variant has not been reported in the literature in individuals affected with MYH6-related conditions. ClinVar contains an entry for this variant (Variation ID: 3719042). Invitae Evidence Modeling of protein sequence and biophysical properties (such as structural, functional, and spatial information, amino acid conservation, physicochemical variation, residue mobility, and thermodynamic stability) indicates that this missense variant is not expected to disrupt MYH6 protein function with a negative predictive value of 80%. In summary, the available evidence is currently insufficient to determine the role of this variant in disease. Therefore, it has been classified as a Variant of Uncertain Significance.

NM_002471.4(MYH6):c.4795C>A (p.Leu1599Met)

Genes: MYH6 (myosin heavy chain 6; minus strand), LOC126861896 (BRD4-independent group 4 enhancer GRCh37_chr14:23854904-23856103; plus strand). Cytogenetic location: 14q11.2.
Variant type: single nucleotide variant.
Coding change: c.4795C>A on transcript NM_002471.4 (MANE Select); coding-DNA position 4795, C replaced by A.
Protein change: p.Leu1599Met; replaces leucine 1599 with methionine.
Molecular consequence: missense variant.
Genome position (GRCh38, 1-based): chr14:23,386,479, G>T on the plus strand (C>A on the coding strand, the complement: MYH6 is on the minus strand). VCF-style: chr14-23386479-G-T. GRCh37 (hg19) VCF-style: chr14-23855688-G-T.
Other names: short protein forms L1599M.
Identifiers: ClinVar variation 3719042 (VCV003719042.2).
Genomic context (GRCh38, chr14:23,386,479, plus strand): 5'-TCTTCTTCACCCTCAGGACCTCGTTGCGGCTGCGTGTCTCTGCATCCAGGGAGGTCTGCA[G>T]CGAGTCCACCACCCGCTGGTGGTTGCGCTTGGCCTGTTCCATCTCCTCGTCCTTCTCTGC-3'
Protein context (NP_002462.2, residues 1589-1609): KRNHQRVVDS[Leu1599Met]QTSLDAETRS